The following is an entry in ClinVar:

ClinVar aggregate classification (germline): Uncertain significance (1 of 4 stars; one submission).

Conditions:
Combined oxidative phosphorylation defect type 7. Identifiers: Orphanet 254930, MedGen C3150801, MONDO:0013306, OMIM 613559.
Spastic paraplegia. Identifiers: MedGen C0037772, HP:0001258.

Allele frequency attached by ClinVar (database versions not stated): gnomAD exomes below 0.00001; TOPMed below 0.00001.
gnomAD v4.1: 2 of 1,614,166 alleles (0.00012%); highest among the groups gnomAD compares: Admixed American, 0.0017%; no homozygotes.

Submission:

Labcorp Genetics (formerly Invitae), Labcorp
Classification: Uncertain significance for Combined oxidative phosphorylation defect type 7; Spastic paraplegia. Last evaluated: 2022-08-10. Review status: criteria provided, single submitter. Criteria: Invitae Variant Classification Sherloc (09022015). Collection method: clinical testing. Allele origin: germline.
Comment: In summary, the available evidence is currently insufficient to determine the role of this variant in disease. Therefore, it has been classified as a Variant of Uncertain Significance. Algorithms developed to predict the effect of missense changes on protein structure and function (SIFT, PolyPhen-2, Align-GVGD) all suggest that this variant is likely to be tolerated. This variant has not been reported in the literature in individuals affected with C12orf65-related conditions. This variant is present in population databases (no rsID available, gnomAD 0.003%). This sequence change replaces histidine, which is basic and polar, with aspartic acid, which is acidic and polar, at codon 8 of the C12orf65 protein (p.His8Asp).

NM_152269.5(MTRFR):c.22C>G (p.His8Asp)

Gene: MTRFR (mitochondrial translation release factor in rescue; plus strand). Cytogenetic location: 12q24.31.
Variant type: single nucleotide variant.
Coding change: c.22C>G on transcript NM_152269.5 (MANE Select); coding-DNA position 22, C replaced by G.
Protein change: p.His8Asp; replaces histidine 8 with aspartic acid.
Molecular consequence: missense variant.
Genome position (GRCh38, 1-based): chr12:123,253,696, C>G. VCF-style: chr12-123253696-C-G. GRCh37 (hg19) VCF-style: chr12-123738243-C-G.
Other names: c.22C>G, p.His8Asp (NM_001143905.2, NM_001194995.1); short protein forms H8D.
Identifiers: ClinVar variation 1929241 (VCV001929241.5), dbSNP rs972085175, ClinGen allele CA245126437.
Genomic context (GRCh38, chr12:123,253,696, plus strand): 5'-ATCTAACCCAGGTCCTCAGCCAGCAGAGCCACGTTCCTTATGAGCACCGTGGGTTTATTT[C>G]ATTTTCCTACACCACTGACCCGAATATGCCCGGCGCCATGGGGACTCCGGCTTTGGGAGA-3'
Protein context (NP_689482.1, residues 1-18): MSTVGLF[His8Asp]FPTPLTRICP